The following is an entry in ClinVar:

ClinVar aggregate classification (germline): Uncertain significance (1 of 4 stars; one submission).

Conditions:
Hereditary cancer-predisposing syndrome. Also called: Neoplastic Syndromes, Hereditary; Tumor predisposition; Hereditary Cancer Syndrome; Hereditary neoplastic syndrome. Identifiers: Orphanet 140162, MedGen C0027672, MeSH D009386, MONDO:0015356.
Cardiovascular phenotype. Identifiers: MedGen CN230736.

Submission:

Ambry Genetics
Classification: Uncertain significance for Cardiovascular phenotype; Hereditary cancer-predisposing syndrome. Last evaluated: 2019-03-28. Review status: criteria provided, single submitter. Criteria: Ambry Variant Classification Scheme 2023. Collection method: clinical testing. Allele origin: germline.
Comment: The p.D973G variant (also known as c.2918A>G), located in coding exon 22 of the NF1 gene, results from an A to G substitution at nucleotide position 2918. The aspartic acid at codon 973 is replaced by glycine, an amino acid with similar properties. This amino acid position is highly conserved in available vertebrate species. In addition, this alteration is predicted to be deleterious by in silico analysis. Since supporting evidence is limited at this time, the clinical significance of this alteration remains unclear.

NM_001042492.3(NF1):c.2918A>G (p.Asp973Gly)

Gene: NF1 (neurofibromin 1; plus strand). Cytogenetic location: 17q11.2.
Variant type: single nucleotide variant.
Coding change: c.2918A>G on transcript NM_001042492.3 (MANE Select); coding-DNA position 2918, A replaced by G.
Protein change: p.Asp973Gly; replaces aspartic acid 973 with glycine.
Molecular consequence: missense variant.
Genome position (GRCh38, 1-based): chr17:31,229,902, A>G. VCF-style: chr17-31229902-A-G. GRCh37 (hg19) VCF-style: chr17-29556920-A-G.
Other names: c.2918A>G, p.Asp973Gly (NM_000267.4); short protein forms D973G.
Identifiers: ClinVar variation 1797646 (VCV001797646.2), dbSNP rs2151430655, ClinGen allele CA398986190.
Genomic context (GRCh38, chr17:31,229,902, plus strand): 5'-TGACTGATACCAATACTCAATTTGTAGAACAAACCATAGCTATAATGAAGAACTTGCTAG[A>G]TAATCATACTGAAGGCAGCTCTGAACATCTAGGGCAAGCTAGCATTGAAACAATGATGTT-3'
Protein context (NP_001035957.1, residues 963-983): QTIAIMKNLL[Asp973Gly]NHTEGSSEHL